The following is an entry in ClinVar:

NM_001350814.2(GRB10):c.1344G>A (p.Pro448=)

Gene: GRB10 (growth factor receptor bound protein 10; minus strand). Cytogenetic location: 7p12.1.
Variant type: single nucleotide variant.
Coding change: c.1344G>A on transcript NM_001350814.2 (MANE Select); coding-DNA position 1344, G replaced by A.
Protein change: p.Pro448=; no amino-acid change (proline 448 retained).
Molecular consequence: synonymous variant.
Genome position (GRCh38, 1-based): chr7:50,605,335, C>T on the plus strand (G>A on the coding strand, the complement: GRB10 is on the minus strand). VCF-style: chr7-50605335-C-T. GRCh37 (hg19) VCF-style: chr7-50673032-C-T.
Other names: c.1206G>A, p.Pro402= (NM_001001549.3); c.1170G>A, p.Pro390= (NM_001001550.3, NM_001001555.3, NM_001350816.3 and 1 more transcripts); c.1458G>A, p.Pro486= (NM_001350815.2); c.1491G>A, p.Pro497= (NM_001371009.1); c.1458G>A (NM_001350815.1).
Identifiers: ClinVar variation 2657501 (VCV002657501.25), dbSNP rs200010618, ClinGen allele CA4262658.
Genomic context (GRCh38, chr7:50,605,335, plus strand): 5'-GGGCCGGGGCCTTACCCTCCAGGCGTGGCCCTCCTCCAGGGCTGCGCTCTGGGCCTCTGC[C>T]GGATTCTCTATCACGCGTCCTGTTTGCCCAGAAAAATCCATTGCCACGAGGGAGTTCTCG-3'
Protein context (NP_001337743.1, residues 438-458): SGQTGRVIEN[Pro448=]AEAQSAALEE

ClinVar aggregate classification (germline): Likely benign. Review status: criteria provided, single submitter (1 of 4 stars). 2 submissions from 2 submitters: Likely benign (1). 1 of the submissions does not count toward it. Last evaluated 2026-08-01.

Conditions:
GRB10-related disorder. Also called: GRB10-related condition.

Allele frequency attached by ClinVar (database versions not stated): 1000 Genomes Project 0.00060; 1000 Genomes Project 30x 0.00062; ExAC 0.00147; gnomAD 0.00198; TOPMed 0.00205; ESP Exome Variant Server 0.00242.
gnomAD v4.1: 5,550 of 1,614,188 alleles (0.34%); highest among the groups gnomAD compares: Non-Finnish European, 0.44%; 17 homozygotes.

Submissions (2):

CeGaT Center for Human Genetics Tuebingen
Classification: Likely benign. Last evaluated: 2026-08-01. Review status: criteria provided, single submitter. Criteria: CeGaT Center For Human Genetics Tuebingen Variant Classification Criteria Version 2. Collection method: clinical testing. Allele origin: germline. Affected: yes. Observed: 5 variant alleles.
Comment: GRB10: BP4, BP7, BS2

PreventionGenetics, part of Exact Sciences
Classification: Likely benign for GRB10-related condition. Last evaluated: 2020-01-13. Review status: no assertion criteria provided. Collection method: clinical testing. Allele origin: germline. Not counted in ClinVar's aggregate classification.
Comment: This variant is classified as likely benign based on ACMG/AMP sequence variant interpretation guidelines (Richards et al. 2015 PMID: 25741868, with internal and published modifications).